The following is an entry in ClinVar:

NM_152468.5(TMC8):c.875C>T (p.Thr292Met)

Gene: TMC8 (transmembrane channel like 8; plus strand). Cytogenetic location: 17q25.3.
Variant type: single nucleotide variant.
Coding change: c.875C>T on transcript NM_152468.5 (MANE Select); coding-DNA position 875, C replaced by T.
Protein change: p.Thr292Met; replaces threonine 292 with methionine.
Molecular consequence: missense variant.
Genome position (GRCh38, 1-based): chr17:78,134,452, C>T. VCF-style: chr17-78134452-C-T. GRCh37 (hg19) VCF-style: chr17-76130533-C-T.
Other names: short protein forms T292M.
Identifiers: ClinVar variation 526243 (VCV000526243.10), dbSNP rs140623039, ClinGen allele CA8796644.
Genomic context (GRCh38, chr17:78,134,452, plus strand): 5'-AGGTGGAGCTGGAGGAGGGCCGTCGCTTCCAGCTGATGCAGCAGCAGACCCGGGCCCAGA[C>T]GGCCTGCCGCCTGCTCTCCTACCTGCGGGTCAACGTACTCAACGGGCTCCTGGTGGTTGG-3'
Protein context (NP_689681.2, residues 282-302): QLMQQQTRAQ[Thr292Met]ACRLLSYLRV

ClinVar aggregate classification (germline): Uncertain significance. Review status: criteria provided, multiple submitters, no conflicts (2 of 4 stars). 2 submissions from 2 submitters: Uncertain significance (2). Last evaluated 2024-11-16.

Conditions:
Inborn genetic diseases. Identifiers: MedGen C0950123, MeSH D030342.
Epidermodysplasia verruciformis. Identifiers: Orphanet 302, MedGen C0014522, MONDO:0009176.

Allele frequency attached by ClinVar (database versions not stated): gnomAD exomes 0.00005; TOPMed 0.00012; gnomAD 0.00011 and 0.00013.

Submissions (2):

Labcorp Genetics (formerly Invitae), Labcorp
Classification: Uncertain significance for Epidermodysplasia verruciformis. Last evaluated: 2024-11-16. Review status: criteria provided, single submitter. Criteria: Invitae Variant Classification Sherloc (09022015). Collection method: clinical testing. Allele origin: germline.
Comment: This sequence change replaces threonine, which is neutral and polar, with methionine, which is neutral and non-polar, at codon 292 of the TMC8 protein (p.Thr292Met). This variant is present in population databases (rs140623039, gnomAD 0.03%). This variant has not been reported in the literature in individuals affected with TMC8-related conditions. ClinVar contains an entry for this variant (Variation ID: 526243). Invitae Evidence Modeling of protein sequence and biophysical properties (such as structural, functional, and spatial information, amino acid conservation, physicochemical variation, residue mobility, and thermodynamic stability) indicates that this missense variant is not expected to disrupt TMC8 protein function with a negative predictive value of 80%. In summary, the available evidence is currently insufficient to determine the role of this variant in disease. Therefore, it has been classified as a Variant of Uncertain Significance.

Ambry Genetics
Classification: Uncertain significance for Inborn genetic diseases. Last evaluated: 2021-08-12. Review status: criteria provided, single submitter. Criteria: Ambry Variant Classification Scheme 2023. Collection method: clinical testing. Allele origin: germline.